The following is an entry in ClinVar:

ClinVar aggregate classification (germline): Likely benign. Review status: criteria provided, multiple submitters, no conflicts (2 of 4 stars). 2 submissions from 2 submitters: Likely benign (2). Last evaluated 2026-07-22.

Conditions:
CEP250-related disorder. Also called: CEP250-related condition.

Allele frequency attached by ClinVar (database versions not stated): gnomAD 0.00001; TOPMed 0.00001; gnomAD exomes 0.00002.
gnomAD v4.1: 13 of 1,607,082 alleles (0.00081%); highest among the groups gnomAD compares: East Asian, 0.02%; no homozygotes.

Submissions (2):

PreventionGenetics, part of Exact Sciences
Classification: Likely benign for CEP250-related condition. Last evaluated: 2026-07-22. Review status: criteria provided, single submitter. Criteria: ACMG Guidelines, 2015. Collection method: clinical testing. Allele origin: germline.
Comment: This variant is classified as likely benign based on ACMG/AMP sequence variant interpretation guidelines (Richards et al. 2015 PMID: 25741868, with internal and published modifications).

Labcorp Genetics (formerly Invitae), Labcorp
Classification: Likely benign. Last evaluated: 2023-09-06. Review status: criteria provided, single submitter. Criteria: Invitae Variant Classification Sherloc (09022015). Collection method: clinical testing. Allele origin: germline.

NM_007186.6(CEP250):c.2586+10C>A

Genes: CEP250 (centrosomal protein 250; plus strand), CEP250-AS1 (CEP250 antisense RNA 1; minus strand). Cytogenetic location: 20q11.22.
Variant type: single nucleotide variant.
Coding change: c.2586+10C>A on transcript NM_007186.6 (MANE Select); 10 bases into the intron after coding-DNA position 2586, C replaced by A.
Molecular consequence: intron variant.
Genome position (GRCh38, 1-based): chr20:35,480,155, C>A. VCF-style: chr20-35480155-C-A. GRCh37 (hg19) VCF-style: chr20-34067980-C-A.
Other names: c.690+10C>A (NM_001318219.1); c.2586+10C>A (NM_007186.5).
Identifiers: ClinVar variation 1672509 (VCV001672509.9), dbSNP rs1402436560, ClinGen allele CA635354456.
Genomic context (GRCh38, chr20:35,480,155, plus strand): 5'-CAGCAGAAGGCAGCCCATGAGAAAGAGGTGAACCAGCTCCGGGAGAAATGGGTAAGTGGT[C>A]AATGTGGCCGGGTATGGCCTCCCTTCCATGAGTGCTCTACCTGCTGCCTCTTGGTCCAGT-3'